The following is an entry in ClinVar:

NM_000540.3(RYR1):c.5288C>T (p.Pro1763Leu)

Gene: RYR1 (ryanodine receptor 1; plus strand). Cytogenetic location: 19q13.2.
Variant type: single nucleotide variant.
Coding change: c.5288C>T on transcript NM_000540.3 (MANE Select); coding-DNA position 5288, C replaced by T.
Protein change: p.Pro1763Leu; replaces proline 1763 with leucine.
Molecular consequence: missense variant.
Genome position (GRCh38, 1-based): chr19:38,485,943, C>T. VCF-style: chr19-38485943-C-T. GRCh37 (hg19) VCF-style: chr19-38976583-C-T.
Other names: c.5288C>T, p.Pro1763Leu (NM_001042723.2); short protein forms P1763L.
Identifiers: ClinVar variation 1462896 (VCV001462896.7), dbSNP rs1335007839, ClinGen allele CA405654473.

ClinVar aggregate classification (germline): Uncertain significance. Review status: criteria provided, multiple submitters, no conflicts (2 of 4 stars). 3 submissions from 3 submitters: Uncertain significance (3). Last evaluated 2024-08-23.

Conditions:
RYR1-related disorder. Also called: RYR1-related condition; RYR1-related disorders. Identifiers: MedGen CN239331.
Congenital multicore myopathy with external ophthalmoplegia (CMYO1B). Also called: Minicore myopathy with external ophthalmoplegia; MULTICORE MYOPATHY; Congenital myopathy 1B, autosomal recessive; Minicore myopathy; MULTIMINICORE DISEASE WITH EXTERNAL OPHTHALMOPLEGIA. Identifiers: Orphanet 598, Orphanet 98905, MedGen C1850674, MONDO:0009712, OMIM 255320, HP:0003789.
Congenital myopathy with fiber type disproportion. Also called: Congenital fiber-type disproportion myopathy; Congenital fiber-type disproportion. Identifiers: Orphanet 2020, MedGen C0546264, MONDO:0009711. Inheritance: all.
Central core myopathy (CMYO1A). Also called: Central core disease; Myopathy, central fibrillar; CONGENITAL MYOPATHY 1A, AUTOSOMAL DOMINANT, WITH SUSCEPTIBILITY TO MALIGNANT HYPERTHERMIA. Identifiers: Orphanet 597, MedGen C5830701, MONDO:0007294, OMIM 117000.
Malignant hyperthermia, susceptibility to, 1 (MHS1). Also called: RYR1-Related Malignant Hyperthermia Susceptibility; Malignant hyperthermia suceptibility 1; Anesthesia related hyperthermia; Malignant hyperpyrexia; Fulminating hyperpyrexia; Pharmacogenic myopathy. Identifiers: Orphanet 423, MedGen C2930980, MONDO:0007783, OMIM 145600.
King Denborough syndrome (KDS). Identifiers: MedGen C1840365, MONDO:0020485, OMIM 619542.

Allele frequency attached by ClinVar (database versions not stated): gnomAD exomes below 0.00001; TOPMed 0.00001.
gnomAD v4.1: 3 of 1,613,718 alleles (0.00019%); highest among the groups gnomAD compares: African/African-American, 0.0013%; no homozygotes.

Submissions (3):

All of Us Research Program, National Institutes of Health
Classification: Uncertain significance for Malignant hyperthermia, susceptibility to, 1. Last evaluated: 2024-08-23. Review status: criteria provided, single submitter. Criteria: ACMG Guidelines, 2015. Collection method: clinical testing. Allele origin: germline. Inheritance: Autosomal dominant inheritance. Observed: 2 variant alleles, 2 heterozygotes.
Comment: This missense variant replaces proline with leucine at codon 1763 of the RYR1 protein. Computational prediction is inconclusive regarding the impact of this variant on protein structure and function. To our knowledge, functional studies have not been reported for this variant. This variant has been reported in an individual affected with hyperCKemia (PMID: 31517061). This variant has not been identified in the general population by the Genome Aggregation Database (gnomAD). The available evidence is insufficient to determine the role of this variant in disease conclusively. Therefore, this variant is classified as a Variant of Uncertain Significance.

This study involves interpretation of variants in research participants for the purpose of population health screening. Participant phenotype was not available at the time of variant classification. Additional details can be found in publication PMID: 35346344, PMCID: PMC8962531

Labcorp Genetics (formerly Invitae), Labcorp
Classification: Uncertain significance for RYR1-related disorder. Last evaluated: 2021-08-24. Review status: criteria provided, single submitter. Criteria: Invitae Variant Classification Sherloc (09022015). Collection method: clinical testing. Allele origin: germline.
Comment: This sequence change replaces proline with leucine at codon 1763 of the RYR1 protein (p.Pro1763Leu). The proline residue is highly conserved and there is a moderate physicochemical difference between proline and leucine. This variant is not present in population databases (ExAC no frequency). This missense change has been observed in individual(s) with hyperCKemia (PMID: 31517061). Advanced modeling of protein sequence and biophysical properties (such as structural, functional, and spatial information, amino acid conservation, physicochemical variation, residue mobility, and thermodynamic stability) performed at Invitae indicates that this missense variant is not expected to disrupt RYR1 protein function. In summary, the available evidence is currently insufficient to determine the role of this variant in disease. Therefore, it has been classified as a Variant of Uncertain Significance.

Fulgent Genetics
Classification: Uncertain significance for Central core myopathy; Malignant hyperthermia, susceptibility to, 1; Congenital myopathy 4A, autosomal dominant; Congenital multicore myopathy with external ophthalmoplegia; King Denborough syndrome. Last evaluated: 2021-07-30. Review status: criteria provided, single submitter. Criteria: ACMG Guidelines, 2015. Collection method: clinical testing. Allele origin: unknown.

Literature cited by the submitters: PubMed 31517061 (cited by All of Us Research Program, National Institutes of Health and Labcorp Genetics (formerly Invitae), Labcorp).